The following is an entry in ClinVar:

NM_022489.4(INF2):c.1852A>T (p.Met618Leu)

Gene: INF2 (inverted formin 2; plus strand). Cytogenetic location: 14q32.33.
Variant type: single nucleotide variant.
Coding change: c.1852A>T on transcript NM_022489.4 (MANE Select); coding-DNA position 1852, A replaced by T.
Protein change: p.Met618Leu; replaces methionine 618 with leucine.
Molecular consequence: missense variant.
Genome position (GRCh38, 1-based): chr14:104,708,552, A>T. VCF-style: chr14-104708552-A-T. GRCh37 (hg19) VCF-style: chr14-105174889-A-T.
Other names: c.1852A>T, p.Met618Leu (NM_001031714.4); short protein forms M618L.
Identifiers: ClinVar variation 2172667 (VCV002172667.4), dbSNP rs1889893121, ClinGen allele CA391218793.

ClinVar aggregate classification (germline): Uncertain significance (1 of 4 stars; one submission).

Conditions:
Focal segmental glomerulosclerosis 5 (FSGS5). Identifiers: Orphanet 656, MedGen C2750475, MONDO:0013191, OMIM 613237.
Charcot-Marie-Tooth disease dominant intermediate E. Also called: CHARCOT-MARIE-TOOTH NEUROPATHY WITH FOCAL SEGMENTAL GLOMERULONEPHRITIS. Identifiers: Orphanet 93114, MedGen C4302667, MONDO:0013758, OMIM 614455.

Allele frequency attached by ClinVar (database versions not stated): TOPMed 0.00001; gnomAD exomes 0.00004.
gnomAD v4.1: 34 of 1,611,924 alleles (0.0021%); highest among the groups gnomAD compares: Non-Finnish European, 0.0029%; no homozygotes.

Submission:

Labcorp Genetics (formerly Invitae), Labcorp
Classification: Uncertain significance for Charcot-Marie-Tooth disease dominant intermediate E; Focal segmental glomerulosclerosis 5. Last evaluated: 2023-11-21. Review status: criteria provided, single submitter. Criteria: Invitae Variant Classification Sherloc (09022015). Collection method: clinical testing. Allele origin: germline.
Comment: This sequence change replaces methionine, which is neutral and non-polar, with leucine, which is neutral and non-polar, at codon 618 of the INF2 protein (p.Met618Leu). This variant is not present in population databases (gnomAD no frequency). This variant has not been reported in the literature in individuals affected with INF2-related conditions. ClinVar contains an entry for this variant (Variation ID: 2172667). Advanced modeling of protein sequence and biophysical properties (such as structural, functional, and spatial information, amino acid conservation, physicochemical variation, residue mobility, and thermodynamic stability) performed at Invitae indicates that this missense variant is not expected to disrupt INF2 protein function with a negative predictive value of 95%. In summary, the available evidence is currently insufficient to determine the role of this variant in disease. Therefore, it has been classified as a Variant of Uncertain Significance.